The following is an entry in ClinVar:

ClinVar aggregate classification (germline): Uncertain significance. Review status: criteria provided, multiple submitters, no conflicts (2 of 4 stars). 2 submissions from 2 submitters: Uncertain significance (2). Last evaluated 2025-11-01.

Conditions:
Immunodeficiency 31B. Also called: STAT1 DEFICIENCY, AUTOSOMAL RECESSIVE; IMMUNODEFICIENCY 31B, MYCOBACTERIAL AND VIRAL INFECTIONS, AUTOSOMAL RECESSIVE. Identifiers: Orphanet 391311, MedGen C3151088, MONDO:0013427, OMIM 613796.
Autoimmune enteropathy and endocrinopathy - susceptibility to chronic infections syndrome. Also called: Immunodeficiency 31C, autosomal dominant; Immunodeficiency 31C. Identifiers: Orphanet 391487, MedGen C3279990, MONDO:0013599, OMIM 614162.
Mendelian susceptibility to mycobacterial diseases due to partial STAT1 deficiency. Also called: IMMUNODEFICIENCY 31A, MYCOBACTERIOSIS, AUTOSOMAL DOMINANT; STAT1 DEFICIENCY, AUTOSOMAL DOMINANT; Immunodeficiency 31a. Identifiers: Orphanet 319595, MedGen C4013950, MONDO:0013956, OMIM 614892.
Inborn genetic diseases. Identifiers: MedGen C0950123, MeSH D030342.

Allele frequency attached by ClinVar (database versions not stated): gnomAD exomes below 0.00001.
gnomAD v4.1: 6 of 1,613,648 alleles (0.00037%); highest among the groups gnomAD compares: East Asian, 0.0022%; no homozygotes.

Submissions (2):

Labcorp Genetics (formerly Invitae), Labcorp
Classification: Uncertain significance for Mendelian susceptibility to mycobacterial diseases due to partial STAT1 deficiency; Immunodeficiency 31B; Autoimmune enteropathy and endocrinopathy - susceptibility to chronic infections syndrome. Last evaluated: 2025-11-01. Review status: criteria provided, single submitter. Criteria: Invitae Variant Classification Sherloc (09022015). Collection method: clinical testing. Allele origin: germline.
Comment: This sequence change replaces methionine, which is neutral and non-polar, with valine, which is neutral and non-polar, at codon 746 of the STAT1 protein (p.Met746Val). This variant is not present in population databases (gnomAD no frequency). This variant has not been reported in the literature in individuals affected with STAT1-related conditions. ClinVar contains an entry for this variant (Variation ID: 2930041). An algorithm developed to predict the effect of missense changes on protein structure and function outputs the following: PolyPhen-2: "Benign". The valine amino acid residue is found in multiple mammalian species, which suggests that this missense change does not adversely affect protein function. In summary, the available evidence is currently insufficient to determine the role of this variant in disease. Therefore, it has been classified as a Variant of Uncertain Significance.

Ambry Genetics
Classification: Uncertain significance for Inborn genetic diseases. Last evaluated: 2025-10-14. Review status: criteria provided, single submitter. Criteria: Ambry Variant Classification Scheme 2023. Collection method: clinical testing. Allele origin: germline.

NM_007315.4(STAT1):c.2236A>G (p.Met746Val)

Gene: STAT1 (signal transducer and activator of transcription 1; minus strand). Cytogenetic location: 2q32.2.
Variant type: single nucleotide variant.
Coding change: c.2236A>G on transcript NM_007315.4 (MANE Select); coding-DNA position 2236, A replaced by G.
Protein change: p.Met746Val; replaces methionine 746 with valine.
Molecular consequence: missense variant.
Genome position (GRCh38, 1-based): chr2:190,974,832, T>C on the plus strand (A>G on the coding strand, the complement: STAT1 is on the minus strand). VCF-style: chr2-190974832-T-C. GRCh37 (hg19) VCF-style: chr2-191839558-T-C.
Other names: c.2176A>G, p.Met726Val (NM_001384880.1); c.2242A>G, p.Met748Val (NM_001384881.1); c.2230A>G, p.Met744Val (NM_001384882.1); c.2137A>G, p.Met713Val (NM_001384883.1); c.1999A>G, p.Met667Val (NM_001384884.1); c.2077A>G, p.Met693Val (NM_001384885.1); c.2260A>G, p.Met754Val (NM_001384886.1); c.2143A>G, p.Met715Val (NM_001384887.1); and 4 more; short protein forms M713V, M742V, M754V, M726V, M736V, M744V, M748V, M715V.
Identifiers: ClinVar variation 2930041 (VCV002930041.4), dbSNP rs1001844648, ClinGen allele CA62667550.